The following is an entry in ClinVar:

NM_033305.3(VPS13A):c.6339C>T (p.Leu2113=)

Gene: VPS13A (vacuolar protein sorting 13 homolog A; plus strand). Cytogenetic location: 9q21.2.
Variant type: single nucleotide variant.
Coding change: c.6339C>T on transcript NM_033305.3 (MANE Select); coding-DNA position 6339, C replaced by T.
Protein change: p.Leu2113=; no amino-acid change (leucine 2113 retained).
Molecular consequence: synonymous variant.
Genome position (GRCh38, 1-based): chr9:77,337,498, C>T. VCF-style: chr9-77337498-C-T. GRCh37 (hg19) VCF-style: chr9-79952414-C-T.
Other names: c.6222C>T, p.Leu2074= (NM_001018037.2); c.6339C>T, p.Leu2113= (NM_001018038.3, NM_015186.4); c.6339C>T (NM_033305.2).
Identifiers: ClinVar variation 1131751 (VCV001131751.11), dbSNP rs1392258447, ClinGen allele CA465622269.

ClinVar aggregate classification (germline): Likely benign. Review status: criteria provided, single submitter (1 of 4 stars). 2 submissions from 2 submitters: Likely benign (1). 1 of the submissions does not count toward it. Last evaluated 2023-02-06.

Conditions:
VPS13A-related disorder. Also called: VPS13A-related condition.

Allele frequency attached by ClinVar (database versions not stated): gnomAD exomes 0.00001; TOPMed 0.00001.
gnomAD v4.1: 6 of 1,612,984 alleles (0.00037%); highest among the groups gnomAD compares: South Asian, 0.0055%; no homozygotes.

Submissions (2):

Labcorp Genetics (formerly Invitae), Labcorp
Classification: Likely benign. Last evaluated: 2023-02-06. Review status: criteria provided, single submitter. Criteria: Invitae Variant Classification Sherloc (09022015). Collection method: clinical testing. Allele origin: germline.

PreventionGenetics, part of Exact Sciences
Classification: Likely benign for VPS13A-related condition. Last evaluated: 2019-06-27. Review status: no assertion criteria provided. Collection method: clinical testing. Allele origin: germline. Not counted in ClinVar's aggregate classification.
Comment: This variant is classified as likely benign based on ACMG/AMP sequence variant interpretation guidelines (Richards et al. 2015 PMID: 25741868, with internal and published modifications).